The following is an entry in ClinVar:

NM_000540.3(RYR1):c.2116G>A (p.Val706Ile)

Gene: RYR1 (ryanodine receptor 1; plus strand). Cytogenetic location: 19q13.2.
Variant type: single nucleotide variant.
Coding change: c.2116G>A on transcript NM_000540.3 (MANE Select); coding-DNA position 2116, G replaced by A.
Protein change: p.Val706Ile; replaces valine 706 with isoleucine.
Molecular consequence: missense variant.
Genome position (GRCh38, 1-based): chr19:38,458,241, G>A. VCF-style: chr19-38458241-G-A. GRCh37 (hg19) VCF-style: chr19-38948881-G-A.
Other names: c.2116G>A, p.Val706Ile (NM_001042723.2); short protein forms V706I.
Identifiers: ClinVar variation 655420 (VCV000655420.13), dbSNP rs141717554, ClinGen allele CA062857.

ClinVar aggregate classification (germline): Uncertain significance. Review status: criteria provided, multiple submitters, no conflicts (2 of 4 stars). 5 submissions from 5 submitters: Uncertain significance (5). Last evaluated 2026-01-01.

Conditions:
RYR1-related disorder. Also called: RYR1-related condition; RYR1-related disorders. Identifiers: MedGen CN239331.
Malignant hyperthermia, susceptibility to, 1 (MHS1). Also called: RYR1-Related Malignant Hyperthermia Susceptibility; Anesthesia related hyperthermia; Malignant hyperpyrexia; Fulminating hyperpyrexia; Pharmacogenic myopathy; Malignant hyperthermia suceptibility 1. Identifiers: Orphanet 423, MedGen C2930980, MONDO:0007783, OMIM 145600.

Allele frequency attached by ClinVar (database versions not stated): TOPMed 0.00005; ESP Exome Variant Server 0.00015; gnomAD 0.00002; ExAC 0.00003.
gnomAD v4.1: 100 of 1,613,932 alleles (0.0062%); highest among the groups gnomAD compares: Non-Finnish European, 0.0072%; no homozygotes.

Submissions (5):

CeGaT Center for Human Genetics Tuebingen
Classification: Uncertain significance. Last evaluated: 2026-01-01. Review status: criteria provided, single submitter. Criteria: CeGaT Center For Human Genetics Tuebingen Variant Classification Criteria Version 2. Collection method: clinical testing. Allele origin: germline. Affected: yes. Observed: 1 variant allele.
Comment: RYR1: PM2, PM1:Supporting

Women's Health and Genetics/Laboratory Corporation of America, LabCorp
Classification: Uncertain significance. Last evaluated: 2024-12-31. Review status: criteria provided, single submitter. Criteria: LabCorp Variant Classification Summary - May 2015. Collection method: clinical testing. Allele origin: germline.
Comment: Variant summary: RYR1 c.2116G>A (p.Val706Ile) results in a conservative amino acid change located in the SPRY domain 1 (SPRY1) of ryanodine receptor (RyR) (IPR035761) of the encoded protein sequence. Four of five in-silico tools predict a damaging effect of the variant on protein function. The variant allele was found at a frequency of 2.8e-05 in 248740 control chromosomes. The available data on variant occurrences in the general population are insufficient to allow any conclusion about variant significance. To our knowledge, no occurrence of c.2116G>A in individuals affected with Congenital multicore myopathy with external ophthalmoplegia and no experimental evidence demonstrating its impact on protein function have been reported. ClinVar contains an entry for this variant (Variation ID: 655420). Based on the evidence outlined above, the variant was classified as uncertain significance.

All of Us Research Program, National Institutes of Health
Classification: Uncertain significance for Malignant hyperthermia, susceptibility to, 1. Last evaluated: 2024-08-13. Review status: criteria provided, single submitter. Criteria: ACMG Guidelines, 2015. Collection method: clinical testing. Allele origin: germline. Inheritance: Autosomal dominant inheritance. Observed: 22 variant alleles, 22 heterozygotes.
Comment: This missense variant replaces valine with isoleucine at codon 706 of the RYR1 protein. Computational prediction suggests that this variant may not impact protein structure and function (internally defined REVEL score threshold <= 0.5, PMID: 27666373). To our knowledge, functional studies have not been reported for this variant. This variant has not been reported in individuals affected with RYR1-related disorders in the literature. This variant has been identified in 7/248740 chromosomes in the general population by the Genome Aggregation Database (gnomAD). The available evidence is insufficient to determine the role of this variant in disease conclusively. Therefore, this variant is classified as a Variant of Uncertain Significance.

This study involves interpretation of variants in research participants for the purpose of population health screening. Participant phenotype was not available at the time of variant classification. Additional details can be found in publication PMID: 35346344, PMCID: PMC8962531

Color Diagnostics, LLC DBA Color Health
Classification: Uncertain significance for Malignant hyperthermia, susceptibility to, 1. Last evaluated: 2024-04-18. Review status: criteria provided, single submitter. Criteria: ACMG Guidelines, 2015. Collection method: clinical testing. Allele origin: germline.
Comment: This missense variant replaces valine with isoleucine at codon 706 of the RYR1 protein. Computational prediction suggests that this variant may not impact protein structure and function. To our knowledge, functional studies have not been reported for this variant. This variant has not been reported in individuals affected with RYR1-related disorders in the literature. This variant has been identified in 7/248740 chromosomes in the general population by the Genome Aggregation Database (gnomAD). The available evidence is insufficient to determine the role of this variant in disease conclusively. Therefore, this variant is classified as a Variant of Uncertain Significance.

Labcorp Genetics (formerly Invitae), Labcorp
Classification: Uncertain significance for RYR1-related disorder. Last evaluated: 2021-08-12. Review status: criteria provided, single submitter. Criteria: Invitae Variant Classification Sherloc (09022015). Collection method: clinical testing. Allele origin: germline.
Comment: This sequence change replaces valine with isoleucine at codon 706 of the RYR1 protein (p.Val706Ile). The valine residue is highly conserved and there is a small physicochemical difference between valine and isoleucine. This variant is present in population databases (rs141717554, ExAC 0.01%). This missense change has been observed in individual(s) with clinical features of RYR1-related conditions (Invitae). Algorithms developed to predict the effect of missense changes on protein structure and function are either unavailable or do not agree on the potential impact of this missense change (SIFT: "Deleterious"; PolyPhen-2: "Probably Damaging"; Align-GVGD: "Class C0"). In summary, the available evidence is currently insufficient to determine the role of this variant in disease. Therefore, it has been classified as a Variant of Uncertain Significance.